The following is an entry in ClinVar:

NM_004563.4(PCK2):c.676_683del (p.Ser226fs)

Genes: NRL (neural retina leucine zipper; minus strand), PCK2 (phosphoenolpyruvate carboxykinase 2, mitochondrial; plus strand). Cytogenetic location: 14q11.2.
Variant type: Microsatellite.
Coding change: c.676_683del on transcript NM_004563.4 (MANE Select); coding-DNA positions 676 to 683, 8 bases deleted (AGCCAGTG; older notation c.676_683delAGCCAGTG).
Protein change: p.Ser226fs; shifts the reading frame from serine 226.
Molecular consequence: frameshift variant. On other transcripts: intron variant (3).
Genome position (GRCh38, 1-based): chr14:24,099,060-24,099,067, AGCCAGTG deleted; deleting any 8 consecutive bases within chr14:24,099,051-24,099,067 gives the same sequence; the c. name uses the placement nearest the transcript's 3' end. VCF-style (leftmost placement, unchanged base first): chr14-24099050-GGAGCCAGT-G. GRCh37 (hg19) VCF-style: chr14-24568259-GGAGCCAGT-G.
Other names: c.676_683del, p.Ser226fs (NM_001018073.3); c.274_281del, p.Ser92fs (NM_001291556.2, NM_001308054.2); c.-28+15664_-28+15671del (NM_001354768.3, NM_001354770.2); c.-253-14313_-253-14306del (NM_006177.5); short protein forms S226fs, S92fs.
Identifiers: ClinVar variation 3704635 (VCV003704635.2).

ClinVar aggregate classification (germline): Uncertain significance (1 of 4 stars; one submission).

Submission:

Labcorp Genetics (formerly Invitae), Labcorp
Classification: Uncertain significance. Last evaluated: 2024-11-18. Review status: criteria provided, single submitter. Criteria: Invitae Variant Classification Sherloc (09022015). Collection method: clinical testing. Allele origin: germline.
Comment: This sequence change creates a premature translational stop signal (p.Ser226Alafs*48) in the PCK2 gene. It is expected to result in an absent or disrupted protein product. However, the current clinical and genetic evidence is not sufficient to establish whether loss-of-function variants in PCK2 cause disease. This variant is not present in population databases (gnomAD no frequency). This variant has not been reported in the literature in individuals affected with PCK2-related conditions. In summary, the available evidence is currently insufficient to determine the role of this variant in disease. Therefore, it has been classified as a Variant of Uncertain Significance.